The following is an entry in ClinVar:

NM_001009944.3(PKD1):c.7350G>T (p.Val2450=)

Gene: PKD1 (polycystin 1, transient receptor potential channel interacting; minus strand). Cytogenetic location: 16p13.3.
Variant type: single nucleotide variant.
Coding change: c.7350G>T on transcript NM_001009944.3 (MANE Select); coding-DNA position 7350, G replaced by T.
Protein change: p.Val2450=; no amino-acid change (valine 2450 retained).
Molecular consequence: synonymous variant.
Genome position (GRCh38, 1-based): chr16:2,106,537, C>A on the plus strand (G>T on the coding strand, the complement: PKD1 is on the minus strand). VCF-style: chr16-2106537-C-A. GRCh37 (hg19) VCF-style: chr16-2156538-C-A.
Other names: c.7350G>T, p.Val2450= (NM_000296.4).
Identifiers: ClinVar variation 997314 (VCV000997314.1), dbSNP rs2092342494, ClinGen allele CA493046730.
Genomic context (GRCh38, chr16:2,106,537, plus strand): 5'-CGGGCGGTTGGGGGACAGGCGGATGGAGGCGCAGCCCTCCTCCTCGCCAGAGCGGCCCAG[C>A]ACCGTGAGCGTGAAGGTGTATCCCTCGCCGTCCCGCAGCACGCCCCGCCGCAGCACCAGT-3'
Protein context (NP_001009944.3, residues 2440-2460): DGEGYTFTLT[Val2450=]LGRSGEEEGC

ClinVar aggregate classification (germline): Uncertain significance (0 of 4 stars; one submission).

Conditions:
Polycystic kidney disease. Also called: Polycystic kidney dysplasia; Kidney, Polycystic. Identifiers: MedGen C0022680, MeSH D007690, MONDO:0020642, HP:0000113.

Submission:

Department of Pathology and Laboratory Medicine, Sinai Health System
Classification: Uncertain significance for Polycystic Kidney disease. Review status: no assertion criteria provided. Collection method: clinical testing. Allele origin: unknown. Affected: yes. Study: The Canadian Open Genetics Repository (COGR).
Comment: The PKD1 p.Val2450= variant was not identified in the literature nor was it identified in the dbSNP, ClinVar, LOVD 3.0, ADPKD Mutation Database or PKD1-LOVD databases. The variant was not identified in the following control databases: the Exome Aggregation Consortium (August 8th 2016) or the Genome Aggregation Database (Feb 27, 2017). The p.Val2450= variant is not expected to have clinical significance because it does not result in a change of amino acid and is not located in a known consensus splice site. The variant occurs at a non-highly conserved nucleotide outside of the splicing consensus sequence, although 2 of 4 in silico or computational prediction software programs (SpliceSiteFinder, MaxEntScan, NNSPLICE, GeneSplicer) predict a greater than 10% difference in splicing; this is not very predictive of pathogenicity. In summary, based on the above information, the clinical significance of this variant cannot be determined with certainty at this time. This variant is classified as a variant of uncertain significance.